The following is an entry in ClinVar:

NM_017433.5(MYO3A):c.4474C>A (p.Pro1492Thr)

Gene: MYO3A (myosin IIIA; plus strand). Cytogenetic location: 10p12.1.
Variant type: single nucleotide variant.
Coding change: c.4474C>A on transcript NM_017433.5 (MANE Select); coding-DNA position 4474, C replaced by A.
Protein change: p.Pro1492Thr; replaces proline 1492 with threonine.
Molecular consequence: missense variant.
Genome position (GRCh38, 1-based): chr10:26,193,240, C>A. VCF-style: chr10-26193240-C-A. GRCh37 (hg19) VCF-style: chr10-26482169-C-A.
Other names: short protein forms P1492T.
Identifiers: ClinVar variation 504640 (VCV000504640.6), dbSNP rs368473860, ClinGen allele CA5445476.
Genomic context (GRCh38, chr10:26,193,240, plus strand): 5'-TTGTTTATGATCACCTTTCTTATAGGTGTCTGTAAAGGAGAGGAGCCAAAAATATTGAGA[C>A]CCCCAAGACGACCCCGGAAACCCAAAACATTAAATAACCCTGAAGACTCCACATACTATT-3'
Protein context (NP_059129.3, residues 1482-1502): CKGEEPKILR[Pro1492Thr]PRRPRKPKTL

ClinVar aggregate classification (germline): Uncertain significance. Review status: criteria provided, multiple submitters, no conflicts (2 of 4 stars). 2 submissions from 2 submitters: Uncertain significance (2). Last evaluated 2020-09-29.

Allele frequency attached by ClinVar (database versions not stated): gnomAD exomes 0.00001; ExAC 0.00002; TOPMed 0.00006; ESP Exome Variant Server 0.00008.
gnomAD v4.1: 12 of 1,613,770 alleles (0.00074%); highest among the groups gnomAD compares: African/African-American, 0.0094%; no homozygotes.

Submissions (2):

GeneDx
Classification: Uncertain significance. Last evaluated: 2020-09-29. Review status: criteria provided, single submitter. Criteria: GeneDx Variant Classification Process June 2021. Collection method: clinical testing. Allele origin: germline. Affected: yes.
Comment: In silico analysis, which includes protein predictors and evolutionary conservation, supports that this variant does not alter protein structure/function; Has not been previously published as pathogenic or benign to our knowledge

Laboratory for Molecular Medicine, Mass General Brigham Personalized Medicine
Classification: Uncertain significance. Last evaluated: 2016-04-08. Review status: criteria provided, single submitter. Criteria: LMM Criteria. Collection method: clinical testing. Allele origin: germline. Observed: 1 variant allele.
Comment: The p.Pro1492Thr variant in MYO3A has not been previously reported in individual s with hearing loss. This variant has been identified in 2/10242 African chromos omes by the Exome Aggregation Consortium (ExAC; dbSNP rs368473860). Although this variant has been seen in the general populatio n, its frequency is not high enough to rule out a pathogenic role. Computational prediction tools and conservation analyses do not provide strong support for or against an impact to the protein. In summary, the clinical significance of the p.Pro1492Thr variant is uncertain.